The following is an entry in ClinVar:

ClinVar aggregate classification (germline): Likely pathogenic (1 of 4 stars; one submission).

Conditions:
Hereditary angioedema type 1 (HAE1). Identifiers: Orphanet 100050, Orphanet 100051, Orphanet 91378, MedGen C2717906, MONDO:0015053, OMIM 106100.

Submission:

DNA-diagnostics Laboratory, Research Centre For Medical Genetics
Classification: Likely pathogenic for Hereditary angioedema type 1. Last evaluated: 2024-08-02. Review status: criteria provided, single submitter. Criteria: ACMG Guidelines, 2015. Collection method: research. Allele origin: germline. Inheritance: Autosomal dominant inheritance. Affected: yes. Observed: 1 heterozygote.
Comment: According to our observation the c.1481delinsCTGACCCCATGA variant in SERPING1 meets ACMG/ClinGen SVI guidance criteria to be classified as likely pathogenic: PS2, PVS1_Mod, PP4_Mod, PM2_Sup

NM_000062.3(SERPING1):c.1481delinsCTGACCCCATGA (p.Arg494fs)

Gene: SERPING1 (serpin family G member 1; plus strand). Cytogenetic location: 11q12.1.
Variant type: Indel.
Coding change: c.1481delinsCTGACCCCATGA on transcript NM_000062.3 (MANE Select); coding-DNA position 1481, G replaced by CTGACCCCATGA.
Protein change: p.Arg494fs; shifts the reading frame from arginine 494.
Molecular consequence: frameshift variant.
Genome position (GRCh38, 1-based): chr11:57,614,559, G replaced by CTGACCCCATGA. VCF-style: chr11-57614559-G-CTGACCCCATGA. GRCh37 (hg19) VCF-style: chr11-57382032-G-CTGACCCCATGA.
Other names: c.1481delinsCTGACCCCATGA, p.Arg494fs (NM_001032295.2); short protein forms R494fs.
Identifiers: ClinVar variation 3257748 (VCV003257748.2).